The following is an entry in ClinVar:

NM_014290.3(TDRD7):c.2338A>G (p.Ile780Val)

Gene: TDRD7 (tudor domain containing 7; plus strand). Cytogenetic location: 9q22.33.
Variant type: single nucleotide variant.
Coding change: c.2338A>G on transcript NM_014290.3 (MANE Select); coding-DNA position 2338, A replaced by G.
Protein change: p.Ile780Val; replaces isoleucine 780 with valine.
Molecular consequence: missense variant.
Genome position (GRCh38, 1-based): chr9:97,480,864, A>G. VCF-style: chr9-97480864-A-G. GRCh37 (hg19) VCF-style: chr9-100243146-A-G.
Other names: c.2338A>G (NM_014290.2); c.2116A>G, p.Ile706Val (NM_001302884.2); short protein forms I706V, I780V.
Identifiers: ClinVar variation 2180729 (VCV002180729.7), dbSNP rs137878640, ClinGen allele CA5146911.

ClinVar aggregate classification (germline): Conflicting classifications of pathogenicity. Review status: criteria provided, conflicting classifications (1 of 4 stars). 3 submissions from 3 submitters: Uncertain significance (1); Likely benign (1). 1 of the submissions does not count toward it. Last evaluated 2024-12-02.

Conditions:
TDRD7-related disorder. Also called: TDRD7-related condition.
Inborn genetic diseases. Identifiers: MedGen C0950123, MeSH D030342.
Cataract 36. Identifiers: MedGen C3151304, MONDO:0013484, OMIM 613887.

Allele frequency attached by ClinVar (database versions not stated): gnomAD 0.00112; ESP Exome Variant Server 0.00123; TOPMed 0.00141; 1000 Genomes Project 30x 0.00265; 1000 Genomes Project 0.00280; gnomAD exomes 0.00019; ExAC 0.00044.
gnomAD v4.1: 495 of 1,614,098 alleles (0.031%); highest among the groups gnomAD compares: African/African-American, 0.35%; no homozygotes.

Submissions (3):

Labcorp Genetics (formerly Invitae), Labcorp
Classification: Likely benign for Cataract 36. Last evaluated: 2024-12-02. Review status: criteria provided, single submitter. Criteria: Invitae Variant Classification Sherloc (09022015). Collection method: clinical testing. Allele origin: germline.

Ambry Genetics
Classification: Uncertain significance for Inborn genetic diseases. Last evaluated: 2023-02-16. Review status: criteria provided, single submitter. Criteria: Ambry Variant Classification Scheme 2023. Collection method: clinical testing. Allele origin: germline.

PreventionGenetics, part of Exact Sciences
Classification: Likely benign for TDRD7-related condition. Last evaluated: 2024-05-31. Review status: no assertion criteria provided. Collection method: clinical testing. Allele origin: germline. Not counted in ClinVar's aggregate classification.
Comment: This variant is classified as likely benign based on ACMG/AMP sequence variant interpretation guidelines (Richards et al. 2015 PMID: 25741868, with internal and published modifications).